The following is an entry in ClinVar:

ClinVar aggregate classification (germline): Uncertain significance. Review status: criteria provided, multiple submitters, no conflicts (2 of 4 stars). 2 submissions from 2 submitters: Uncertain significance (2). Last evaluated 2025-12-21.

gnomAD v4.1: 4 of 1,614,066 alleles (0.00025%); highest among the groups gnomAD compares: Admixed American, 0.0017%; no homozygotes.

Submissions (2):

Labcorp Genetics (formerly Invitae), Labcorp
Classification: Uncertain significance. Last evaluated: 2025-12-21. Review status: criteria provided, single submitter. Criteria: Invitae Variant Classification Sherloc (09022015). Collection method: clinical testing. Allele origin: germline.
Comment: This sequence change replaces glutamine, which is neutral and polar, with arginine, which is basic and polar, at codon 705 of the NALCN protein (p.Gln705Arg). This variant is present in population databases (rs370994012, gnomAD 0.003%). This variant has not been reported in the literature in individuals affected with NALCN-related conditions. ClinVar contains an entry for this variant (Variation ID: 3391523). Invitae Evidence Modeling of protein sequence and biophysical properties (such as structural, functional, and spatial information, amino acid conservation, physicochemical variation, residue mobility, and thermodynamic stability) indicates that this missense variant is not expected to disrupt NALCN protein function with a negative predictive value of 80%. In summary, the available evidence is currently insufficient to determine the role of this variant in disease. Therefore, it has been classified as a Variant of Uncertain Significance.

GeneDx
Classification: Uncertain significance. Last evaluated: 2025-02-08. Review status: criteria provided, single submitter. Criteria: GeneDx Variant Classification Process June 2021. Collection method: clinical testing. Allele origin: germline.
Comment: In silico analysis indicates that this missense variant does not alter protein structure/function; Has not been previously published as pathogenic or benign to our knowledge

NM_052867.4(NALCN):c.2114A>G (p.Gln705Arg)

Gene: NALCN (sodium leak channel, non-selective; minus strand). Cytogenetic location: 13q33.1.
Variant type: single nucleotide variant.
Coding change: c.2114A>G on transcript NM_052867.4 (MANE Select); coding-DNA position 2114, A replaced by G.
Protein change: p.Gln705Arg; replaces glutamine 705 with arginine.
Molecular consequence: missense variant.
Genome position (GRCh38, 1-based): chr13:101,143,084, T>C on the plus strand (A>G on the coding strand, the complement: NALCN is on the minus strand). VCF-style: chr13-101143084-T-C. GRCh37 (hg19) VCF-style: chr13-101795435-T-C.
Other names: c.2114A>G, p.Gln705Arg (NM_001350748.2, NM_001350749.2); c.2027A>G, p.Gln676Arg (NM_001350750.2, NM_001350751.2); short protein forms Q676R, Q705R.
Identifiers: ClinVar variation 3391523 (VCV003391523.3).